The following is an entry in ClinVar:

ClinVar aggregate classification (germline): Benign/Likely benign. Review status: criteria provided, multiple submitters, no conflicts (2 of 4 stars). 10 submissions from 10 submitters: Benign (9); Likely benign (1). Last evaluated 2026-02-04.

Conditions:
Netherton syndrome (NETH). Also called: NETHERTON DISEASE; ERYTHRODERMA, ICHTHYOSIFORM, WITH HYPOTRICHOSIS AND HYPER-IgE; COMEL-NETHERTON SYNDROME. Identifiers: Orphanet 634, MedGen C5574950, MONDO:0009735, OMIM 256500.
Ichthyosis linearis circumflexa. Identifiers: MedGen C0265962, MONDO:0043106, HP:0025810.

Allele frequency attached by ClinVar (database versions not stated): ESP Exome Variant Server 0.42199; 1000 Genomes Project 30x 0.42676; 1000 Genomes Project 0.42931; TOPMed 0.44225.
gnomAD v4.1: 819,172 of 1,612,412 alleles (51%); highest among the groups gnomAD compares: Admixed American, 66%; 213,197 homozygotes.

Submissions (10):

Labcorp Genetics (formerly Invitae), Labcorp
Classification: Benign for Ichthyosis linearis circumflexa. Last evaluated: 2026-02-04. Review status: criteria provided, single submitter. Criteria: Invitae Variant Classification Sherloc (09022015). Collection method: clinical testing. Allele origin: germline.

Women's Health and Genetics/Laboratory Corporation of America, LabCorp
Classification: Benign. Last evaluated: 2026-01-08. Review status: criteria provided, single submitter. Criteria: LabCorp Variant Classification Summary - May 2015. Collection method: clinical testing. Allele origin: germline.

Blueprint Genetics
Classification: Likely benign. Last evaluated: 2024-11-26. Review status: criteria provided, single submitter. Criteria: ACMG Guidelines, 2015. Collection method: clinical testing. Allele origin: germline.

Unidad de Genómica Garrahan, Hospital de Pediatría Garrahan
Classification: Benign. Last evaluated: 2024-01-24. Review status: criteria provided, single submitter. Criteria: ACMG Guidelines, 2015. Collection method: clinical testing. Allele origin: germline. Affected: no. Observed: 78 variant alleles.
Comment: This variant is classified as Benign based on local population frequency. This variant was detected in 89% of patients studied by a panel of primary immunodeficiencies. Number of patients: 78. Only high quality variants are reported.

Genome-Nilou Lab
Classification: Benign for Netherton syndrome. Last evaluated: 2021-07-15. Review status: criteria provided, single submitter. Criteria: ACMG Guidelines, 2015. Collection method: clinical testing. Allele origin: germline. Affected: no.

Mayo Clinic Laboratories, Mayo Clinic
Classification: Benign. Last evaluated: 2018-07-03. Review status: criteria provided, single submitter. Criteria: ACMG Guidelines, 2015. Collection method: clinical testing. Allele origin: germline. Observed: 98 variant alleles.

Illumina Laboratory Services, Illumina
Classification: Benign for Netherton syndrome. Last evaluated: 2018-01-12. Review status: criteria provided, single submitter. Criteria: ICSL Variant Classification Criteria 13 December 2019. Collection method: clinical testing. Allele origin: germline.
Comment: This variant was observed in the ICSL laboratory as part of a predisposition screen in an ostensibly healthy population. It had not been previously curated by ICSL or reported in the Human Gene Mutation Database (HGMD: prior to June 1st, 2018), and was therefore a candidate for classification through an automated scoring system. Utilizing variant allele frequency, disease prevalence and penetrance estimates, and inheritance mode, an automated score was calculated to assess if this variant is too frequent to cause the disease. Based on the score and internal cut-off values, a variant classified as benign is not then subjected to further curation. The score for this variant resulted in a classification of benign for this disease.

Laboratory for Molecular Medicine, Mass General Brigham Personalized Medicine
Classification: Benign. Last evaluated: 2016-03-28. Review status: criteria provided, single submitter. Criteria: LMM Criteria. Collection method: clinical testing. Allele origin: germline.
Comment: Variant identified in a genome or exome case(s) and assessed due to predicted null impact of the variant or pathogenic assertions in the literature or databases. Disclaimer: This variant has not undergone full assessment. The following are preliminary notes: Frequency

GeneDx
Classification: Benign. Last evaluated: 2015-03-03. Review status: criteria provided, single submitter. Criteria: GeneDx Variant Classification Process June 2021. Collection method: clinical testing. Allele origin: germline. Affected: yes.

PreventionGenetics, part of Exact Sciences
Classification: Benign. Review status: criteria provided, single submitter. Criteria: ACMG Guidelines, 2015. Collection method: clinical testing. Allele origin: germline.

NM_006846.4(SPINK5):c.1557C>A (p.Gly519=)

Gene: SPINK5 (serine peptidase inhibitor Kazal type 5; plus strand). Cytogenetic location: 5q32.
Variant type: single nucleotide variant.
Coding change: c.1557C>A on transcript NM_006846.4 (MANE Select); coding-DNA position 1557, C replaced by A.
Protein change: p.Gly519=; no amino-acid change (glycine 519 retained).
Molecular consequence: synonymous variant.
Genome position (GRCh38, 1-based): chr5:148,107,114, C>A. VCF-style: chr5-148107114-C-A. GRCh37 (hg19) VCF-style: chr5-147486677-C-A.
Other names: p.Gly519=; c.1557C>A, p.Gly519= (NM_001127698.2, NM_001127699.2).
Identifiers: ClinVar variation 260047 (VCV000260047.27), dbSNP rs880687, ClinGen allele CA3495656.